The following is an entry in ClinVar:

ClinVar aggregate classification (germline): Uncertain significance (1 of 4 stars; one submission).

Conditions:
Congenital disorder of deglycosylation (CDDG). Identifiers: MedGen C3808991, MONDO:0031376.

Allele frequency attached by ClinVar (database versions not stated): ExAC 0.00001; gnomAD 0.00001 and below 0.00001; gnomAD exomes below 0.00001 and 0.00001.
gnomAD v4.1: 6 of 1,613,364 alleles (0.00037%); highest among the groups gnomAD compares: South Asian, 0.0022%; no homozygotes.

Submission:

Labcorp Genetics (formerly Invitae), Labcorp
Classification: Uncertain significance for Congenital disorder of deglycosylation. Last evaluated: 2022-07-06. Review status: criteria provided, single submitter. Criteria: Invitae Variant Classification Sherloc (09022015). Collection method: clinical testing. Allele origin: germline.
Comment: This sequence change replaces arginine, which is basic and polar, with glutamine, which is neutral and polar, at codon 308 of the NGLY1 protein (p.Arg308Gln). This variant is present in population databases (rs746594019, gnomAD 0.003%). This missense change has been observed in individual(s) with clinical features of NGLY1-related conditions (Invitae). In at least one individual the data is consistent with being in trans (on the opposite chromosome) from a pathogenic variant. ClinVar contains an entry for this variant (Variation ID: 967857). Algorithms developed to predict the effect of missense changes on protein structure and function (SIFT, PolyPhen-2, Align-GVGD) all suggest that this variant is likely to be disruptive. In summary, the available evidence is currently insufficient to determine the role of this variant in disease. Therefore, it has been classified as a Variant of Uncertain Significance.

NM_018297.4(NGLY1):c.923G>A (p.Arg308Gln)

Gene: NGLY1 (N-glycanase 1; minus strand). Cytogenetic location: 3p24.2.
Variant type: single nucleotide variant.
Coding change: c.923G>A on transcript NM_018297.4 (MANE Select); coding-DNA position 923, G replaced by A.
Protein change: p.Arg308Gln; replaces arginine 308 with glutamine.
Molecular consequence: missense variant.
Genome position (GRCh38, 1-based): chr3:25,737,414, C>T on the plus strand (G>A on the coding strand, the complement: NGLY1 is on the minus strand). VCF-style: chr3-25737414-C-T. GRCh37 (hg19) VCF-style: chr3-25778905-C-T.
Other names: c.923G>A, p.Arg308Gln (NM_001145293.2, NM_001145295.2); c.797G>A, p.Arg266Gln (NM_001145294.2); short protein forms R266Q, R308Q.
Identifiers: ClinVar variation 967857 (VCV000967857.4), dbSNP rs746594019, ClinGen allele CA2289341.